The following is an entry in ClinVar:

ClinVar aggregate classification (germline): Uncertain significance (1 of 4 stars; one submission).

Submission:

Labcorp Genetics (formerly Invitae), Labcorp
Classification: Uncertain significance. Last evaluated: 2021-11-15. Review status: criteria provided, single submitter. Criteria: Invitae Variant Classification Sherloc (09022015). Collection method: clinical testing. Allele origin: germline.
Comment: Algorithms developed to predict the effect of missense changes on protein structure and function (SIFT, PolyPhen-2, Align-GVGD) all suggest that this variant is likely to be tolerated. This variant has not been reported in the literature in individuals affected with POLE-related conditions. This variant is not present in population databases (gnomAD no frequency). This sequence change replaces glutamic acid, which is acidic and polar, with valine, which is neutral and non-polar, at codon 1949 of the POLE protein (p.Glu1949Val). In summary, the available evidence is currently insufficient to determine the role of this variant in disease. Therefore, it has been classified as a Variant of Uncertain Significance.

NM_006231.4(POLE):c.5846A>T (p.Glu1949Val)

Gene: POLE (DNA polymerase epsilon, catalytic subunit; minus strand). Cytogenetic location: 12q24.33.
Variant type: single nucleotide variant.
Coding change: c.5846A>T on transcript NM_006231.4 (MANE Select); coding-DNA position 5846, A replaced by T.
Protein change: p.Glu1949Val; replaces glutamic acid 1949 with valine.
Molecular consequence: missense variant.
Genome position (GRCh38, 1-based): chr12:132,634,344, T>A on the plus strand (A>T on the coding strand, the complement: POLE is on the minus strand). VCF-style: chr12-132634344-T-A. GRCh37 (hg19) VCF-style: chr12-133210930-T-A.
Other names: short protein forms E1949V.
Identifiers: ClinVar variation 1393409 (VCV001393409.6), dbSNP rs2138475327, ClinGen allele CA387371804.